The following is an entry in ClinVar:

ClinVar aggregate classification (germline): Uncertain significance (1 of 4 stars; one submission).

Conditions:
Aortic aneurysm, familial thoracic 7 (AAT7). Also called: AORTIC DISSECTION, FAMILIAL, WITH OR WITHOUT AORTIC ANEURYSM. Identifiers: MedGen C3151077, MONDO:0013418, OMIM 613780.

Submission:

Labcorp Genetics (formerly Invitae), Labcorp
Classification: Uncertain significance for Aortic aneurysm, familial thoracic 7. Last evaluated: 2023-12-04. Review status: criteria provided, single submitter. Criteria: Invitae Variant Classification Sherloc (09022015). Collection method: clinical testing. Allele origin: germline.
Comment: This sequence change replaces glycine, which is neutral and non-polar, with alanine, which is neutral and non-polar, at codon 718 of the MYLK protein (p.Gly718Ala). This variant is not present in population databases (gnomAD no frequency). This missense change has been observed in individual(s) with clinical features of MYLK-related conditions (Invitae). Advanced modeling of protein sequence and biophysical properties (such as structural, functional, and spatial information, amino acid conservation, physicochemical variation, residue mobility, and thermodynamic stability) has been performed at Invitae for this missense variant, however the output from this modeling did not meet the statistical confidence thresholds required to predict the impact of this variant on MYLK protein function. In summary, the available evidence is currently insufficient to determine the role of this variant in disease. Therefore, it has been classified as a Variant of Uncertain Significance.

NM_053025.4(MYLK):c.2153G>C (p.Gly718Ala)

Gene: MYLK (myosin light chain kinase; minus strand). Cytogenetic location: 3q21.1.
Variant type: single nucleotide variant.
Coding change: c.2153G>C on transcript NM_053025.4 (MANE Select); coding-DNA position 2153, G replaced by C.
Protein change: p.Gly718Ala; replaces glycine 718 with alanine.
Molecular consequence: missense variant.
Genome position (GRCh38, 1-based): chr3:123,707,991, C>G on the plus strand (G>C on the coding strand, the complement: MYLK is on the minus strand). VCF-style: chr3-123707991-C-G. GRCh37 (hg19) VCF-style: chr3-123426838-C-G.
Other names: c.1625G>C, p.Gly542Ala (NM_001321309.2); c.1946G>C, p.Gly649Ala (NM_053026.4, NM_053028.4); c.2153G>C, p.Gly718Ala (NM_053027.4); short protein forms G718A, G542A, G649A.
Identifiers: ClinVar variation 2840204 (VCV002840204.3), dbSNP rs2474290198, ClinGen allele CA354234155.
Genomic context (GRCh38, chr3:123,707,991, plus strand): 5'-ACACTCTGGCCCAGGGAGGCTGTCACTGAGCGAGGCTTACTGATGAACCAGGGCTGGGTG[C>G]CATCGTGAGGCTCTGGAAATTGGCAAAGGGCAGAGCTAAACAGGGATGTCCCTCAGCAGG-3'
Protein context (NP_444253.3, residues 708-728): AVLTVQEPHD[Gly718Ala]TQPWFISKPR